The following is an entry in ClinVar:

NM_001292063.2(OTOG):c.7585+12G>A

Gene: OTOG (otogelin; plus strand). Cytogenetic location: 11p15.1.
Variant type: single nucleotide variant.
Coding change: c.7585+12G>A on transcript NM_001292063.2 (MANE Select); 12 bases into the intron after coding-DNA position 7585, G replaced by A.
Molecular consequence: intron variant.
Genome position (GRCh38, 1-based): chr11:17,634,960, G>A. VCF-style: chr11-17634960-G-A. GRCh37 (hg19) VCF-style: chr11-17656507-G-A.
Other names: c.7621+12G>A (NM_001277269.2).
Identifiers: ClinVar variation 227794 (VCV000227794.14), dbSNP rs538124093, ClinGen allele CA5906145.

ClinVar aggregate classification (germline): Benign/Likely benign. Review status: criteria provided, multiple submitters, no conflicts (2 of 4 stars). 3 submissions from 3 submitters: Benign (1); Likely benign (2). Last evaluated 2025-11-27.

Allele frequency attached by ClinVar (database versions not stated): ExAC 0.00044; gnomAD exomes 0.00072; 1000 Genomes Project 30x 0.00250; 1000 Genomes Project 0.00260; gnomAD 0.00291; TOPMed 0.00345.
gnomAD v4.1: 988 of 1,517,650 alleles (0.065%); highest among the groups gnomAD compares: African/African-American, 1.1%; 6 homozygotes.

Submissions (3):

Labcorp Genetics (formerly Invitae), Labcorp
Classification: Benign. Last evaluated: 2025-11-27. Review status: criteria provided, single submitter. Criteria: Invitae Variant Classification Sherloc (09022015). Collection method: clinical testing. Allele origin: germline.

Blueprint Genetics
Classification: Likely benign. Last evaluated: 2024-11-27. Review status: criteria provided, single submitter. Criteria: ACMG Guidelines, 2015. Collection method: clinical testing. Allele origin: germline.

Laboratory for Molecular Medicine, Mass General Brigham Personalized Medicine
Classification: Likely benign. Last evaluated: 2016-01-15. Review status: criteria provided, single submitter. Criteria: LMM Criteria. Collection method: clinical testing. Allele origin: germline. Observed: 3 variant alleles.
Comment: c.7621+12G>A in intron 44 of OTOG: This variant is not expected to have clinical significance because it is not located within the splice consensus sequence and it has been identified in 1.25% (5/398) of African chromosomes by the Exome Agg regation Consortium (ExAC; dbSNP rs538124093).